The following is an entry in ClinVar:

NM_002645.4(PIK3C2A):c.4561G>A (p.Val1521Ile)

Gene: PIK3C2A (phosphatidylinositol-4-phosphate 3-kinase catalytic subunit type 2 alpha; minus strand). Cytogenetic location: 11p15.1.
Variant type: single nucleotide variant.
Coding change: c.4561G>A on transcript NM_002645.4 (MANE Select); coding-DNA position 4561, G replaced by A.
Protein change: p.Val1521Ile; replaces valine 1521 with isoleucine.
Molecular consequence: missense variant.
Genome position (GRCh38, 1-based): chr11:17,092,167, C>T on the plus strand (G>A on the coding strand, the complement: PIK3C2A is on the minus strand). VCF-style: chr11-17092167-C-T. GRCh37 (hg19) VCF-style: chr11-17113714-C-T.
Other names: c.4561G>A, p.Val1521Ile (NM_001321378.2); c.3421G>A, p.Val1141Ile (NM_001321380.2); c.4393G>A, p.Val1465Ile (NM_001386870.1); short protein forms V1141I, V1465I, V1521I.
Identifiers: ClinVar variation 2106809 (VCV002106809.2), dbSNP rs1018992876, ClinGen allele CA218408520.

ClinVar aggregate classification (germline): Uncertain significance (1 of 4 stars; one submission).

Allele frequency attached by ClinVar (database versions not stated): gnomAD exomes below 0.00001; gnomAD 0.00001; TOPMed 0.00001.
gnomAD v4.1: 4 of 1,574,880 alleles (0.00025%); highest among the groups gnomAD compares: African/African-American, 0.0027%; no homozygotes.

Submission:

Labcorp Genetics (formerly Invitae), Labcorp
Classification: Uncertain significance. Last evaluated: 2025-04-07. Review status: criteria provided, single submitter. Criteria: Invitae Variant Classification Sherloc (09022015). Collection method: clinical testing. Allele origin: germline.
Comment: This sequence change replaces valine, which is neutral and non-polar, with isoleucine, which is neutral and non-polar, at codon 1521 of the PIK3C2A protein (p.Val1521Ile). This variant is present in population databases (no rsID available, gnomAD 0.008%). This variant has not been reported in the literature in individuals affected with PIK3C2A-related conditions. ClinVar contains an entry for this variant (Variation ID: 2106809). An algorithm developed to predict the effect of missense changes on protein structure and function (PolyPhen-2) suggests that this variant is likely to be disruptive. In summary, the available evidence is currently insufficient to determine the role of this variant in disease. Therefore, it has been classified as a Variant of Uncertain Significance.